The following is an entry in ClinVar:

ClinVar aggregate classification (germline): Uncertain significance (1 of 4 stars; one submission).

Conditions:
Hereditary cancer-predisposing syndrome. Also called: Neoplastic Syndromes, Hereditary; Tumor predisposition; Hereditary neoplastic syndrome; Hereditary Cancer Syndrome. Identifiers: Orphanet 140162, MedGen C0027672, MeSH D009386, MONDO:0015356.

Submission:

Ambry Genetics
Classification: Uncertain significance for Hereditary cancer-predisposing syndrome. Last evaluated: 2023-01-16. Review status: criteria provided, single submitter. Criteria: Ambry Variant Classification Scheme 2023. Collection method: clinical testing. Allele origin: germline.
Comment: The p.S570L variant (also known as c.1709C>T), located in coding exon 12 of the MSH3 gene, results from a C to T substitution at nucleotide position 1709. The serine at codon 570 is replaced by leucine, an amino acid with dissimilar properties. This amino acid position is conserved. In addition, this alteration is predicted to be tolerated by in silico analysis. Since supporting evidence is limited at this time, the clinical significance of this alteration remains unclear.

NM_002439.5(MSH3):c.1709C>T (p.Ser570Leu)

Gene: MSH3 (mutS homolog 3; plus strand). Cytogenetic location: 5q14.1.
Variant type: single nucleotide variant.
Coding change: c.1709C>T on transcript NM_002439.5 (MANE Select); coding-DNA position 1709, C replaced by T.
Protein change: p.Ser570Leu; replaces serine 570 with leucine.
Molecular consequence: missense variant.
Genome position (GRCh38, 1-based): chr5:80,744,561, C>T. VCF-style: chr5-80744561-C-T. GRCh37 (hg19) VCF-style: chr5-80040380-C-T.
Other names: short protein forms S570L.
Identifiers: ClinVar variation 2451065 (VCV002451065.2), dbSNP rs1743680168, ClinGen allele CA360274739.
Genomic context (GRCh38, chr5:80,744,561, plus strand): 5'-CTTAGACTGATATGAAAACCAAAGGAAGTTTGCTGTGGGTTTTAGACCACACTAAAACTT[C>T]ATTTGGGAGACGGAAGTTAAAGAAGTGGGTGACCCAGCCACTCCTTAAATTAAGGTAAAA-3'
Protein context (NP_002430.3, residues 560-580): LLWVLDHTKT[Ser570Leu]FGRRKLKKWV